The following is an entry in ClinVar:

NM_178452.6(DNAAF1):c.130A>G (p.Asn44Asp)

Gene: DNAAF1 (dynein axonemal assembly factor 1; plus strand). Cytogenetic location: 16q24.1.
Variant type: single nucleotide variant.
Coding change: c.130A>G on transcript NM_178452.6 (MANE Select); coding-DNA position 130, A replaced by G.
Protein change: p.Asn44Asp; replaces asparagine 44 with aspartic acid.
Molecular consequence: missense variant.
Genome position (GRCh38, 1-based): chr16:84,149,012, A>G. VCF-style: chr16-84149012-A-G. GRCh37 (hg19) VCF-style: chr16-84182617-A-G.
Other names: short protein forms N44D.
Identifiers: ClinVar variation 4012454 (VCV004012454.1).
Genomic context (GRCh38, chr16:84,149,012, plus strand): 5'-GTATTTTTTGGCATATATCTTGATCTCTACAGACCTGATCTCTTTTATTTTACAGAAATT[A>G]ATGATCCTAAGGAAATATGTGTGGGTTCTTCTGACACATCCTACCACAGCCAGCAGAAAC-3'
Protein context (NP_848547.4, residues 34-54): AGRGGCKEEI[Asn44Asp]DPKEICVGSS

ClinVar aggregate classification (germline): Uncertain significance (1 of 4 stars; one submission).

Conditions:
Primary ciliary dyskinesia. Also called: Ciliary dyskinesia. Identifiers: Orphanet 244, MedGen C0008780, MONDO:0016575, HP:0012265.

gnomAD v4.1: 1 of 1,614,062 alleles (0.000062%); highest among the groups gnomAD compares: Admixed American, 0.0017%; no homozygotes.

Submission:

Ambry Genetics
Classification: Uncertain significance for Primary ciliary dyskinesia. Last evaluated: 2025-04-10. Review status: criteria provided, single submitter. Criteria: Ambry Variant Classification Scheme 2023. Collection method: clinical testing. Allele origin: germline.
Comment: The p.N44D variant (also known as c.130A>G), located in coding exon 2 of the DNAAF1 gene, results from an A to G substitution at nucleotide position 130. The asparagine at codon 44 is replaced by aspartic acid, an amino acid with highly similar properties. This amino acid position is conserved. In addition, this alteration is predicted to be tolerated by in silico analysis. Based on the available evidence, the clinical significance of this variant remains unclear.